The following is an entry in ClinVar:

ClinVar aggregate classification (germline): Conflicting classifications of pathogenicity. Review status: criteria provided, conflicting classifications (1 of 4 stars). 5 submissions from 5 submitters: Uncertain significance (1); Likely benign (2). 2 of the submissions do not count toward it. Last evaluated 2026-01-20.

Conditions:
DYSF-related disorder. Also called: DYSF-related disorders; DYSF-related condition.
Neuromuscular disease caused by qualitative or quantitative defects of dysferlin. Also called: Dysferlinopathy; Qualitative or quantitative defects of dysferlin. Identifiers: Orphanet 207073, MedGen C2931687, MONDO:0016145.
Autosomal recessive limb-girdle muscular dystrophy type 2B (LGMDR2). Also called: MUSCULAR DYSTROPHY, LIMB-GIRDLE, TYPE 3; Limb-Girdle Muscular Dystrophy Type 2B (LGMD2B); Limb-girdle muscular dystrophy, type 2B; MUSCULAR DYSTROPHY, LIMB-GIRDLE, AUTOSOMAL RECESSIVE 2. Identifiers: Orphanet 268, MedGen C1850889, MONDO:0009676, OMIM 253601.

Allele frequency attached by ClinVar (database versions not stated): gnomAD below 0.00001 and 0.00005; TOPMed 0.00002; gnomAD exomes 0.00010 and 0.00023; ExAC 0.00029; 1000 Genomes Project 30x 0.00031; 1000 Genomes Project 0.00040.
gnomAD v4.1: 166 of 1,614,140 alleles (0.01%); highest among the groups gnomAD compares: South Asian, 0.16%; no homozygotes.

Submissions (5):

Labcorp Genetics (formerly Invitae), Labcorp
Classification: Likely benign for Neuromuscular disease caused by qualitative or quantitative defects of dysferlin. Last evaluated: 2026-01-20. Review status: criteria provided, single submitter. Criteria: Invitae Variant Classification Sherloc (09022015). Collection method: clinical testing. Allele origin: germline.

CeGaT Center for Human Genetics Tuebingen
Classification: Likely benign. Last evaluated: 2023-10-01. Review status: criteria provided, single submitter. Criteria: CeGaT Center For Human Genetics Tuebingen Variant Classification Criteria Version 2. Collection method: clinical testing. Allele origin: germline. Affected: yes. Observed: 1 variant allele.
Comment: DYSF: BP4, BP7

Eurofins Ntd Llc (ga)
Classification: Uncertain significance. Last evaluated: 2015-10-02. Review status: criteria provided, single submitter. Criteria: EGL Classification Definitions 2015. Collection method: clinical testing. Allele origin: germline. Observed: 1 variant allele, 1 heterozygote.

Natera, Inc.
Classification: Likely benign for Limb-girdle muscular dystrophy type 2B. Last evaluated: 2019-10-28. Review status: no assertion criteria provided. Collection method: clinical testing. Allele origin: germline. Not counted in ClinVar's aggregate classification.

PreventionGenetics, part of Exact Sciences
Classification: Likely benign for DYSF-related condition. Last evaluated: 2019-05-24. Review status: no assertion criteria provided. Collection method: clinical testing. Allele origin: germline. Not counted in ClinVar's aggregate classification.
Comment: This variant is classified as likely benign based on ACMG/AMP sequence variant interpretation guidelines (Richards et al. 2015 PMID: 25741868, with internal and published modifications).

NM_001130987.2(DYSF):c.3552G>A (p.Ala1184=)

Gene: DYSF (dysferlin; plus strand). Cytogenetic location: 2p13.2.
Variant type: single nucleotide variant.
Coding change: c.3552G>A on transcript NM_001130987.2 (MANE Select); coding-DNA position 3552, G replaced by A.
Protein change: p.Ala1184=; no amino-acid change (alanine 1184 retained).
Molecular consequence: synonymous variant.
Genome position (GRCh38, 1-based): chr2:71,590,266, G>A. VCF-style: chr2-71590266-G-A. GRCh37 (hg19) VCF-style: chr2-71817396-G-A.
Other names: c.3501G>A, p.Ala1167= (NM_001130455.2, NM_001130983.2); c.3456G>A, p.Ala1152= (NM_001130976.2, NM_001130977.2); c.3498G>A, p.Ala1166= (NM_001130978.2, NM_003494.4); c.3591G>A, p.Ala1197= (NM_001130979.2); c.3549G>A, p.Ala1183= (NM_001130980.2, NM_001130981.2); c.3594G>A, p.Ala1198= (NM_001130982.2); c.3459G>A, p.Ala1153= (NM_001130984.2, NM_001130986.2); c.3552G>A, p.Ala1184= (NM_001130985.2).
Identifiers: ClinVar variation 283487 (VCV000283487.40), dbSNP rs201319864, ClinGen allele CA1706624.